The following is an entry in ClinVar:

NM_000334.4(SCN4A):c.1282G>T (p.Val428Leu)

Gene: SCN4A (sodium voltage-gated channel alpha subunit 4; minus strand). Cytogenetic location: 17q23.3.
Variant type: single nucleotide variant.
Coding change: c.1282G>T on transcript NM_000334.4 (MANE Select); coding-DNA position 1282, G replaced by T.
Protein change: p.Val428Leu; replaces valine 428 with leucine.
Molecular consequence: missense variant.
Genome position (GRCh38, 1-based): chr17:63,964,638, C>A on the plus strand (G>T on the coding strand, the complement: SCN4A is on the minus strand). VCF-style: chr17-63964638-C-A. GRCh37 (hg19) VCF-style: chr17-62041998-C-A.
Other names: short protein forms V428L.
Identifiers: ClinVar variation 1421307 (VCV001421307.11), dbSNP rs532921435, ClinGen allele CA8709877.

ClinVar aggregate classification (germline): Uncertain significance. Review status: criteria provided, multiple submitters, no conflicts (2 of 4 stars). 3 submissions from 3 submitters: Uncertain significance (3). Last evaluated 2025-06-24.

Conditions:
Paramyotonia congenita of Von Eulenburg. Also called: PARALYSIS PERIODICA PARAMYOTONICA; Paramyotonia Congenita; Eulenburg disease; Myotonia congenita intermittens; Von Eulenburg paramyotonia congenita. Identifiers: Orphanet 684, MedGen C0221055, MONDO:0008195, OMIM 168300. Disease mechanism: loss of function.
Congenital myasthenic syndrome 16. Identifiers: Orphanet 590, MedGen C3280112, MONDO:0013620, OMIM 614198.
Potassium-aggravated myotonia. Also called: MYOTONIA CONGENITA, ACETAZOLAMIDE-RESPONSIVE; MYOTONIA CONGENITA, ATYPICAL; SODIUM CHANNEL MUSCLE DISEASE; Myotonia congenita, atypical, acetazolamide-responsive. Identifiers: Orphanet 612, Orphanet 99734, Orphanet 99735, Orphanet 99736, MedGen C2931826, MONDO:0018959, OMIM 608390.
Hypokalemic periodic paralysis, type 2 (HOKPP2). Identifiers: Orphanet 681, MedGen C2750061, MONDO:0013234, OMIM 613345.
Hyperkalemic periodic paralysis. Also called: Familial hyperkalemic periodic paralysis; Gamstorp disease. Identifiers: Orphanet 682, MedGen C0238357, MONDO:0008224, OMIM 170500, HP:0007215.
Congenital myopathy 22A, classic (CMYO22A). Identifiers: MedGen C5830453, MONDO:0957247, OMIM 620351.
Congenital myopathy 22B, severe fetal (CMYO22B). Identifiers: MedGen C5830501, MONDO:0957265, OMIM 620369.
Hypokalemic periodic paralysis, type 1. Also called: Hypokalemic Periodic Paralysis Type 1 (AD); HypoPP. Identifiers: Orphanet 681, MedGen C3714580, MONDO:0042979, OMIM 170400.

Allele frequency attached by ClinVar (database versions not stated): 1000 Genomes Project 30x 0.00047; 1000 Genomes Project 0.00040.
gnomAD v4.1: 21 of 1,611,998 alleles (0.0013%); highest among the groups gnomAD compares: East Asian, 0.045%; no homozygotes.

Submissions (3):

Labcorp Genetics (formerly Invitae), Labcorp
Classification: Uncertain significance for Hyperkalemic periodic paralysis. Last evaluated: 2025-06-24. Review status: criteria provided, single submitter. Criteria: Invitae Variant Classification Sherloc (09022015). Collection method: clinical testing. Allele origin: germline.
Comment: This sequence change replaces valine, which is neutral and non-polar, with leucine, which is neutral and non-polar, at codon 428 of the SCN4A protein (p.Val428Leu). This variant is present in population databases (rs532921435, gnomAD 0.03%). This variant has not been reported in the literature in individuals affected with SCN4A-related conditions. ClinVar contains an entry for this variant (Variation ID: 1421307). Invitae Evidence Modeling of protein sequence and biophysical properties (such as structural, functional, and spatial information, amino acid conservation, physicochemical variation, residue mobility, and thermodynamic stability) indicates that this missense variant is not expected to disrupt SCN4A protein function with a negative predictive value of 95%. In summary, the available evidence is currently insufficient to determine the role of this variant in disease. Therefore, it has been classified as a Variant of Uncertain Significance.

Fulgent Genetics
Classification: Uncertain significance for Paramyotonia congenita of Von Eulenburg; Hypokalemic periodic paralysis, type 1; Hyperkalemic periodic paralysis; Potassium-aggravated myotonia; Hypokalemic periodic paralysis, type 2; Congenital myasthenic syndrome 16. Last evaluated: 2021-12-18. Review status: criteria provided, single submitter. Criteria: ACMG Guidelines, 2015. Collection method: clinical testing. Allele origin: unknown.

Juno Genomics, Hangzhou Juno Genomics, Inc
Classification: Uncertain significance for Congenital myopathy 22A, classic; Congenital myopathy 22B, severe fetal; Hyperkalemic periodic paralysis; Hypokalemic periodic paralysis, type 2; Congenital myasthenic syndrome 16; Potassium-aggravated myotonia; Paramyotonia congenita of Von Eulenburg. Review status: criteria provided, single submitter. Criteria: ACMG Guidelines, 2015. Collection method: clinical testing. Allele origin: germline.
Comment: Absent from controls (or at extremely low frequency if recessive) in Genome Aggregation Database.;Multiple lines of computational evidence support a deleterious effect on the gene or gene product.